The following is an entry in ClinVar:

NM_007294.4(BRCA1):c.2062A>G (p.Thr688Ala)

Gene: BRCA1 (BRCA1 DNA repair associated; minus strand). Cytogenetic location: 17q21.31.
Variant type: single nucleotide variant.
Coding change: c.2062A>G on transcript NM_007294.4 (MANE Select); coding-DNA position 2062, A replaced by G.
Protein change: p.Thr688Ala; replaces threonine 688 with alanine.
Molecular consequence: missense variant. On other transcripts: intron variant (137).
Genome position (GRCh38, 1-based): chr17:43,093,469, T>C on the plus strand (A>G on the coding strand, the complement: BRCA1 is on the minus strand). VCF-style: chr17-43093469-T-C. GRCh37 (hg19) VCF-style: chr17-41245486-T-C.
Other names: c.1936A>G, p.Thr646Ala (NM_001407673.1, NM_001407649.1, NM_001407670.1 and 11 more transcripts); c.577+1275A>G (NM_001408478.1, NM_001408481.1, NM_001408480.1 and 9 more transcripts); c.664+1275A>G (NM_001408444.1, NM_001408438.1, NM_001408440.1 and 12 more transcripts); c.787+1275A>G (NM_001407978.1, NM_001407981.1, NM_007298.4 and 19 more transcripts); c.661+1275A>G (NM_001408435.1, NM_001408446.1, NM_001408450.1 and 6 more transcripts); c.784+1275A>G (NM_001408401.1, NM_001408398.1, NM_001407992.1 and 13 more transcripts); c.670+2377A>G (NM_001408418.1, NM_001408419.1, NM_001408422.1 and 2 more transcripts); c.548-2437A>G (NM_001408494.1); and 40 more; short protein forms T688A, T641A, T599A, T661A, T560A, T640A, T647A, T662A.
Identifiers: ClinVar variation 820629 (VCV000820629.17), dbSNP rs1597872432, ClinGen allele CA10597878.

ClinVar aggregate classification (germline): Conflicting classifications of pathogenicity. Review status: criteria provided, conflicting classifications (1 of 4 stars). 3 submissions from 3 submitters: Uncertain significance (2); Likely benign (1). Last evaluated 2023-03-23.

Conditions:
Hereditary cancer-predisposing syndrome. Also called: Neoplastic Syndromes, Hereditary; Tumor predisposition; Hereditary Cancer Syndrome; Hereditary neoplastic syndrome. Identifiers: Orphanet 140162, MedGen C0027672, MeSH D009386, MONDO:0015356.
Hereditary breast ovarian cancer syndrome. Also called: Hereditary breast and/or ovarian cancer syndrome; BRCA1- and BRCA2-Associated Hereditary Breast and Ovarian Cancer; Hereditary breast and ovarian cancer syndrome; Hereditary breast and ovarian cancer; Hereditary breast and ovarian cancer syndrome (HBOC); Breast and ovarian cancer. Identifiers: Orphanet 145, MedGen C0677776, MeSH D061325, MONDO:0003582. Disease mechanism: loss of function.

Allele frequency attached by ClinVar (database versions not stated): gnomAD exomes below 0.00001.
gnomAD v4.1: 4 of 1,614,134 alleles (0.00025%); highest among the groups gnomAD compares: Non-Finnish European, 0.00034%; no homozygotes.

Submissions (3):

University of Washington Department of Laboratory Medicine, University of Washington
Classification: Likely benign for Hereditary cancer-predisposing syndrome. Last evaluated: 2023-03-23. Review status: criteria provided, single submitter. Criteria: Dines et al. (Genet Med. 2020). Collection method: curation. Allele origin: germline.
Comment: Missense variant in a coldspot region where missense variants are very unlikely to be pathogenic (PMID:31911673).

BRCA1 coldspot (exon 11 using historical exon numbering). Reclassification based on statistical prior probability

Labcorp Genetics (formerly Invitae), Labcorp
Classification: Uncertain significance for Hereditary breast ovarian cancer syndrome. Last evaluated: 2019-04-10. Review status: criteria provided, single submitter. Criteria: Invitae Variant Classification Sherloc (09022015). Collection method: clinical testing. Allele origin: germline.
Comment: Algorithms developed to predict the effect of missense changes on protein structure and function output the following: SIFT: "Tolerated"; PolyPhen-2: "Benign"; Align-GVGD: "Class C0". The alanine amino acid residue is found in multiple mammalian species, suggesting that this missense change does not adversely affect protein function. These predictions have not been confirmed by published functional studies and their clinical significance is uncertain. In summary, the available evidence is currently insufficient to determine the role of this variant in disease. Therefore, it has been classified as a Variant of Uncertain Significance. This variant has not been reported in the literature in individuals with BRCA1-related conditions. This variant is not present in population databases (ExAC no frequency). This sequence change replaces threonine with alanine at codon 688 of the BRCA1 protein (p.Thr688Ala). The threonine residue is weakly conserved and there is a small physicochemical difference between threonine and alanine.

Ambry Genetics
Classification: Uncertain significance for Hereditary cancer-predisposing syndrome. Last evaluated: 2019-03-01. Review status: criteria provided, single submitter. Criteria: Ambry Variant Classification Scheme 2023. Collection method: clinical testing. Allele origin: germline.
Comment: The p.T688A variant (also known as c.2062A>G), located in coding exon 9 of the BRCA1 gene, results from an A to G substitution at nucleotide position 2062. The threonine at codon 688 is replaced by alanine, an amino acid with similar properties. This amino acid position is poorly conserved in available vertebrate species. In addition, this alteration is predicted to be tolerated by in silico analysis. Since supporting evidence is limited at this time, the clinical significance of this alteration remains unclear.